The following is an entry in ClinVar:

ClinVar aggregate classification (germline): Uncertain significance. Review status: criteria provided, multiple submitters, no conflicts (2 of 4 stars). 4 submissions from 3 submitters: Uncertain significance (4). Last evaluated 2025-08-12.

Conditions:
Inborn genetic diseases. Identifiers: MedGen C0950123, MeSH D030342.
Cone-rod dystrophy 13 (CORD13). Identifiers: Orphanet 1872, MedGen C2750720, MONDO:0011987, OMIM 608194.
Leber congenital amaurosis 6 (LCA6). Identifiers: Orphanet 65, MedGen C1854260, MONDO:0013446, OMIM 613826.

Allele frequency attached by ClinVar (database versions not stated): TOPMed 0.00001; gnomAD 0.00002; gnomAD exomes 0.00002; ExAC 0.00003.
gnomAD v4.1: 28 of 1,612,294 alleles (0.0017%); highest among the groups gnomAD compares: East Asian, 0.0022%; no homozygotes.

Submissions (4):

Ambry Genetics
Classification: Uncertain significance for Inborn genetic diseases. Last evaluated: 2025-08-12. Review status: criteria provided, single submitter. Criteria: Ambry Variant Classification Scheme 2023. Collection method: clinical testing. Allele origin: germline.

Labcorp Genetics (formerly Invitae), Labcorp
Classification: Uncertain significance for Leber congenital amaurosis 6; Cone-rod dystrophy 13. Last evaluated: 2022-03-20. Review status: criteria provided, single submitter. Criteria: Invitae Variant Classification Sherloc (09022015). Collection method: clinical testing. Allele origin: germline.
Comment: Algorithms developed to predict the effect of missense changes on protein structure and function are either unavailable or do not agree on the potential impact of this missense change (SIFT: "Tolerated"; PolyPhen-2: "Probably Damaging"; Align-GVGD: "Class C0"). ClinVar contains an entry for this variant (Variation ID: 883959). This variant has not been reported in the literature in individuals affected with RPGRIP1-related conditions. This variant is present in population databases (rs752222755, gnomAD 0.06%). This sequence change replaces isoleucine, which is neutral and non-polar, with threonine, which is neutral and polar, at codon 1260 of the RPGRIP1 protein (p.Ile1260Thr). In summary, the available evidence is currently insufficient to determine the role of this variant in disease. Therefore, it has been classified as a Variant of Uncertain Significance.

Illumina Laboratory Services, Illumina
Classification: Uncertain significance for Cone-rod dystrophy 13. Last evaluated: 2018-01-13. Review status: criteria provided, single submitter. Criteria: ICSL Variant Classification Criteria 13 December 2019. Collection method: clinical testing. Allele origin: germline.

Illumina Laboratory Services, Illumina
Classification: Uncertain significance for Leber congenital amaurosis 6. Last evaluated: 2018-01-13. Review status: criteria provided, single submitter. Criteria: ICSL Variant Classification Criteria 13 December 2019. Collection method: clinical testing. Allele origin: germline.

NM_020366.4(RPGRIP1):c.3779T>C (p.Ile1260Thr)

Gene: RPGRIP1 (RPGR interacting protein 1; plus strand). Cytogenetic location: 14q11.2.
Variant type: single nucleotide variant.
Coding change: c.3779T>C on transcript NM_020366.4 (MANE Select); coding-DNA position 3779, T replaced by C.
Protein change: p.Ile1260Thr; replaces isoleucine 1260 with threonine.
Molecular consequence: missense variant.
Genome position (GRCh38, 1-based): chr14:21,351,134, T>C. VCF-style: chr14-21351134-T-C. GRCh37 (hg19) VCF-style: chr14-21819293-T-C.
Other names: c.1757T>C, p.Ile586Thr (NM_001377523.1, NM_001377950.1); c.2705T>C, p.Ile902Thr (NM_001377948.1); c.1865T>C, p.Ile622Thr (NM_001377949.1); c.1262T>C, p.Ile421Thr (NM_001377951.1); short protein forms I622T, I902T, I586T, I1260T, I421T.
Identifiers: ClinVar variation 883959 (VCV000883959.12), dbSNP rs752222755, ClinGen allele CA7089617.
Genomic context (GRCh38, chr14:21,351,134, plus strand): 5'-GTGATGCTGTTTTTTTCCCTTTCCCAACAGTTGTTAGCCCTGAAGATCTGGCTACCCCAA[T>C]AGGAAGGCTGAAGGTTTCCCTTCAAGCAGCTGCTGTCCTCCATGCTATTTACAAGGAGAT-3'
Protein context (NP_065099.3, residues 1250-1270): IVSPEDLATP[Ile1260Thr]GRLKVSLQAA